The following is an entry in ClinVar:

ClinVar aggregate classification (germline): Uncertain significance. Review status: criteria provided, multiple submitters, no conflicts (2 of 4 stars). 2 submissions from 2 submitters: Uncertain significance (2). Last evaluated 2022-07-24.

Conditions:
Autosomal systemic lupus erythematosus type 16. Also called: Systemic lupus erythematosus 16. Identifiers: Orphanet 300345, MedGen C3280742, MONDO:0013743, OMIM 614420.

Submissions (2):

Labcorp Genetics (formerly Invitae), Labcorp
Classification: Uncertain significance. Last evaluated: 2022-07-24. Review status: criteria provided, single submitter. Criteria: Invitae Variant Classification Sherloc (09022015). Collection method: clinical testing. Allele origin: germline.
Comment: This sequence change replaces aspartic acid, which is acidic and polar, with asparagine, which is neutral and polar, at codon 38 of the DNASE1L3 protein (p.Asp38Asn). This variant is present in population databases (rs148208826, gnomAD 0.04%). This variant has not been reported in the literature in individuals affected with DNASE1L3-related conditions. ClinVar contains an entry for this variant (Variation ID: 1430966). Algorithms developed to predict the effect of missense changes on protein structure and function output the following: SIFT: "Tolerated"; PolyPhen-2: "Benign"; Align-GVGD: "Class C0". The asparagine amino acid residue is found in multiple mammalian species, which suggests that this missense change does not adversely affect protein function. In summary, the available evidence is currently insufficient to determine the role of this variant in disease. Therefore, it has been classified as a Variant of Uncertain Significance.

Fulgent Genetics
Classification: Uncertain significance for Autosomal systemic lupus erythematosus type 16. Last evaluated: 2022-04-30. Review status: criteria provided, single submitter. Criteria: ACMG Guidelines, 2015. Collection method: clinical testing. Allele origin: unknown.

NM_004944.4(DNASE1L3):c.112G>A (p.Asp38Asn)

Gene: DNASE1L3 (deoxyribonuclease 1L3; minus strand). Cytogenetic location: 3p14.3.
Variant type: single nucleotide variant.
Coding change: c.112G>A on transcript NM_004944.4 (MANE Select); coding-DNA position 112, G replaced by A.
Protein change: p.Asp38Asn; replaces aspartic acid 38 with asparagine.
Molecular consequence: missense variant.
Genome position (GRCh38, 1-based): chr3:58,210,795, C>T on the plus strand (G>A on the coding strand, the complement: DNASE1L3 is on the minus strand). VCF-style: chr3-58210795-C-T. GRCh37 (hg19) VCF-style: chr3-58196522-C-T.
Other names: c.112G>A, p.Asp38Asn (NM_001256560.2); short protein forms D38N.
Identifiers: ClinVar variation 1430966 (VCV001430966.4), dbSNP rs148208826, ClinGen allele CA2470128.
Genomic context (GRCh38, chr3:58,210,795, plus strand): 5'-CTGGGATCCTCCTCCCAGGAAAGGGGCTCACCTTCACAATGACATCCATGGCATTCTTGT[C>T]TTCCTGCTTGCTTTCCCCAAAGGACCTGACGTTGAAGGAGCAGATCCTCATGGCCAGGGC-3'
Protein context (NP_004935.1, residues 28-48): VRSFGESKQE[Asp38Asn]KNAMDVIVKV